The following is an entry in ClinVar:

ClinVar aggregate classification (germline): Uncertain significance (1 of 4 stars; one submission).

Submission:

Labcorp Genetics (formerly Invitae), Labcorp
Classification: Uncertain significance. Last evaluated: 2022-05-07. Review status: criteria provided, single submitter. Criteria: Invitae Variant Classification Sherloc (09022015). Collection method: clinical testing. Allele origin: germline.
Comment: In summary, the available evidence is currently insufficient to determine the role of this variant in disease. Therefore, it has been classified as a Variant of Uncertain Significance. Advanced modeling of protein sequence and biophysical properties (such as structural, functional, and spatial information, amino acid conservation, physicochemical variation, residue mobility, and thermodynamic stability) performed at Invitae indicates that this missense variant is expected to disrupt COMP protein function. This variant has not been reported in the literature in individuals affected with COMP-related conditions. This variant is not present in population databases (gnomAD no frequency). This sequence change replaces threonine, which is neutral and polar, with alanine, which is neutral and non-polar, at codon 657 of the COMP protein (p.Thr657Ala).

NM_000095.3(COMP):c.1969A>G (p.Thr657Ala)

Gene: COMP (cartilage oligomeric matrix protein; minus strand). Cytogenetic location: 19p13.11.
Variant type: single nucleotide variant.
Coding change: c.1969A>G on transcript NM_000095.3 (MANE Select); coding-DNA position 1969, A replaced by G.
Protein change: p.Thr657Ala; replaces threonine 657 with alanine.
Molecular consequence: missense variant.
Genome position (GRCh38, 1-based): chr19:18,784,309, T>C on the plus strand (A>G on the coding strand, the complement: COMP is on the minus strand). VCF-style: chr19-18784309-T-C. GRCh37 (hg19) VCF-style: chr19-18895119-T-C.
Other names: short protein forms T657A.
Identifiers: ClinVar variation 2135248 (VCV002135248.4), dbSNP rs2512844654, ClinGen allele CA404877323.